The following is an entry in ClinVar:

NM_001375524.1(TRRAP):c.203G>A (p.Arg68Gln)

Gene: TRRAP (transformation/transcription domain associated protein; plus strand). Cytogenetic location: 7q22.1.
Variant type: single nucleotide variant.
Coding change: c.203G>A on transcript NM_001375524.1 (MANE Select); coding-DNA position 203, G replaced by A.
Protein change: p.Arg68Gln; replaces arginine 68 with glutamine.
Molecular consequence: missense variant.
Genome position (GRCh38, 1-based): chr7:98,890,387, G>A. VCF-style: chr7-98890387-G-A. GRCh37 (hg19) VCF-style: chr7-98488010-G-A.
Other names: c.203G>A, p.Arg68Gln (NM_001244580.2, NM_003496.4); short protein forms R68Q.
Identifiers: ClinVar variation 2631205 (VCV002631205.1), dbSNP rs2484648775, ClinGen allele CA368305566.
Genomic context (GRCh38, chr7:98,890,387, plus strand): 5'-ACAATTAGAATGTCACGTCATCTCCTCAGTATTCTACATTCCTAGAACATATCATCCCTC[G>A]ATTCCTTACATTTCTCCAAGATGGAGAAGTTCAGTTTCTTCAGGAGAAACCAGCACAGGT-3'
Protein context (NP_001362453.1, residues 58-78): YSTFLEHIIP[Arg68Gln]FLTFLQDGEV

ClinVar aggregate classification (germline): Uncertain significance (1 of 4 stars; one submission).

Conditions:
TRRAP-related disorder. Also called: TRRAP-related condition.

Submission:

PreventionGenetics, part of Exact Sciences
Classification: Uncertain significance for TRRAP-related condition. Last evaluated: 2023-08-03. Review status: criteria provided, single submitter. Criteria: ACMG Guidelines, 2015. Collection method: clinical testing. Allele origin: germline.
Comment: The TRRAP c.203G>A variant is predicted to result in the amino acid substitution p.Arg68Gln. To our knowledge, this variant has not been reported in the literature or in a large population database, indicating this variant is rare. At this time, the clinical significance of this variant is uncertain due to the absence of conclusive functional and genetic evidence.